The following is an entry in ClinVar:

ClinVar aggregate classification (germline): Uncertain significance. Review status: criteria provided, multiple submitters, no conflicts (2 of 4 stars). 2 submissions from 2 submitters: Uncertain significance (2). Last evaluated 2025-12-22.

Conditions:
Inborn genetic diseases. Identifiers: MedGen C0950123, MeSH D030342.

Allele frequency attached by ClinVar (database versions not stated): gnomAD exomes below 0.00001.
gnomAD v4.1: 3 of 1,614,144 alleles (0.00019%); highest among the groups gnomAD compares: African/African-American, 0.0027%; no homozygotes.

Submissions (2):

Ambry Genetics
Classification: Uncertain significance for Inborn genetic diseases. Last evaluated: 2025-12-22. Review status: criteria provided, single submitter. Criteria: Ambry Variant Classification Scheme 2023. Collection method: clinical testing. Allele origin: germline.

Labcorp Genetics (formerly Invitae), Labcorp
Classification: Uncertain significance. Last evaluated: 2023-02-26. Review status: criteria provided, single submitter. Criteria: Invitae Variant Classification Sherloc (09022015). Collection method: clinical testing. Allele origin: germline.
Comment: In summary, the available evidence is currently insufficient to determine the role of this variant in disease. Therefore, it has been classified as a Variant of Uncertain Significance. An algorithm developed to predict the effect of missense changes on protein structure and function (PolyPhen-2) suggests that this variant is likely to be disruptive. This variant has not been reported in the literature in individuals affected with KIDINS220-related conditions. This variant is not present in population databases (gnomAD no frequency). This sequence change replaces aspartic acid, which is acidic and polar, with tyrosine, which is neutral and polar, at codon 716 of the KIDINS220 protein (p.Asp716Tyr).

NM_020738.4(KIDINS220):c.2146G>T (p.Asp716Tyr)

Gene: KIDINS220 (kinase D interacting substrate 220; minus strand). Cytogenetic location: 2p25.1.
Variant type: single nucleotide variant.
Coding change: c.2146G>T on transcript NM_020738.4 (MANE Select); coding-DNA position 2146, G replaced by T.
Protein change: p.Asp716Tyr; replaces aspartic acid 716 with tyrosine.
Molecular consequence: missense variant. On other transcripts: non-coding transcript variant (2).
Genome position (GRCh38, 1-based): chr2:8,785,824, C>A on the plus strand (G>T on the coding strand, the complement: KIDINS220 is on the minus strand). VCF-style: chr2-8785824-C-A. GRCh37 (hg19) VCF-style: chr2-8925954-C-A.
Other names: c.2149G>T, p.Asp717Tyr (NM_001348729.2, NM_001348731.2, NM_001348734.2 and 3 more transcripts); c.2146G>T, p.Asp716Tyr (NM_001348732.2, NM_001348735.2, NM_001348738.2 and 3 more transcripts); c.2020G>T, p.Asp674Tyr (NM_001348736.2); c.2146G>T (NM_020738.2); short protein forms D717Y, D674Y, D716Y.
Identifiers: ClinVar variation 2992798 (VCV002992798.4), dbSNP rs867799016, ClinGen allele CA42335410.